The following is an entry in ClinVar:

NM_003331.5(TYK2):c.179T>C (p.Ile60Thr)

Gene: TYK2 (tyrosine kinase 2; minus strand). Cytogenetic location: 19p13.2.
Variant type: single nucleotide variant.
Coding change: c.179T>C on transcript NM_003331.5 (MANE Select); coding-DNA position 179, T replaced by C.
Protein change: p.Ile60Thr; replaces isoleucine 60 with threonine.
Molecular consequence: missense variant.
Genome position (GRCh38, 1-based): chr19:10,378,228, A>G on the plus strand (T>C on the coding strand, the complement: TYK2 is on the minus strand). VCF-style: chr19-10378228-A-G. GRCh37 (hg19) VCF-style: chr19-10488904-A-G.
Other names: c.179T>C, p.Ile60Thr (NM_001385197.1, NM_001385198.1, NM_001385199.1 and 8 more transcripts); short protein forms I60T.
Identifiers: ClinVar variation 1040701 (VCV001040701.6), dbSNP rs752152984, ClinGen allele CA9193872.
Genomic context (GRCh38, chr19:10,378,228, plus strand): 5'-TTGCACACCCACCCCAGTCCCCATGGTGCCAACGCCCCAGACTCACCAACTTTATGTGCA[A>G]TGTGGATGCAGACTTCCTCAGCTGTCAGCGATGACTCACTGAAAGTGACCCAGGGCTCCC-3'
Protein context (NP_003322.3, residues 50-70): SLTAEEVCIH[Ile60Thr]AHKVGITPPC

ClinVar aggregate classification (germline): Uncertain significance (1 of 4 stars; one submission).

Conditions:
Immunodeficiency 35 (IMD35). Also called: HIES WITH ATYPICAL MYCOBACTERIOSIS, AUTOSOMAL RECESSIVE; HYPER-IgE SYNDROME WITH ATYPICAL MYCOBACTERIOSIS, AUTOSOMAL RECESSIVE; TYK2 DEFICIENCY; Susceptibility to infection due to TYK2 deficiency. Identifiers: Orphanet 331226, MedGen C1969086, MONDO:0012682, OMIM 611521.

Allele frequency attached by ClinVar (database versions not stated): ExAC 0.00001; gnomAD 0.00001; gnomAD exomes 0.00001; TOPMed 0.00002.
gnomAD v4.1: 19 of 1,612,670 alleles (0.0012%); highest among the groups gnomAD compares: East Asian, 0.0022%; no homozygotes.

Submission:

Labcorp Genetics (formerly Invitae), Labcorp
Classification: Uncertain significance for Immunodeficiency 35. Last evaluated: 2022-07-05. Review status: criteria provided, single submitter. Criteria: Invitae Variant Classification Sherloc (09022015). Collection method: clinical testing. Allele origin: germline.
Comment: This sequence change replaces isoleucine, which is neutral and non-polar, with threonine, which is neutral and polar, at codon 60 of the TYK2 protein (p.Ile60Thr). This variant is present in population databases (rs752152984, gnomAD 0.002%). This variant has not been reported in the literature in individuals affected with TYK2-related conditions. ClinVar contains an entry for this variant (Variation ID: 1040701). Algorithms developed to predict the effect of missense changes on protein structure and function are either unavailable or do not agree on the potential impact of this missense change (SIFT: "Not Available"; PolyPhen-2: "Benign"; Align-GVGD: "Not Available"). In summary, the available evidence is currently insufficient to determine the role of this variant in disease. Therefore, it has been classified as a Variant of Uncertain Significance.